The following is an entry in ClinVar:

ClinVar aggregate classification (germline): Likely benign (1 of 4 stars; one submission).

Allele frequency attached by ClinVar (database versions not stated): 1000 Genomes Project 30x 0.00031; 1000 Genomes Project 0.00040; gnomAD 0.00042.

Submission:

CeGaT Center for Human Genetics Tuebingen
Classification: Likely benign. Last evaluated: 2023-10-01. Review status: criteria provided, single submitter. Criteria: CeGaT Center For Human Genetics Tuebingen Variant Classification Criteria Version 2. Collection method: clinical testing. Allele origin: germline. Affected: yes. Observed: 3 variant alleles.
Comment: POLR2A: BP4, BP7

NM_000937.5(POLR2A):c.5037A>G (p.Ser1679=)

Gene: POLR2A (RNA polymerase II subunit A; plus strand). Cytogenetic location: 17p13.1.
Variant type: single nucleotide variant.
Coding change: c.5037A>G on transcript NM_000937.5 (MANE Select); coding-DNA position 5037, A replaced by G.
Protein change: p.Ser1679=; no amino-acid change (serine 1679 retained).
Molecular consequence: synonymous variant.
Genome position (GRCh38, 1-based): chr17:7,513,301, A>G. VCF-style: chr17-7513301-A-G. GRCh37 (hg19) VCF-style: chr17-7416620-A-G.
Identifiers: ClinVar variation 2647361 (VCV002647361.24), dbSNP rs529427848, ClinGen allele CA8350482.
Genomic context (GRCh38, chr17:7,513,301, plus strand): 5'-CACCTCTCCCAGCTACTCGCCCACCTCTCCCAGCTACTCGCCCACCTCTCCCAGCTACTC[A>G]CCCACTTCCCCTAGCTACTCGCCCACTTCCCCTAGCTACTCGCCAACGTCTCCCAGCTAC-3'
Protein context (NP_000928.1, residues 1669-1689): PSYSPTSPSY[Ser1679=]PTSPSYSPTS